The following is an entry in ClinVar:

NM_017875.4(SLC25A38):c.625G>C (p.Asp209His)

Gene: SLC25A38 (solute carrier family 25 member 38; plus strand). Cytogenetic location: 3p22.1.
Variant type: single nucleotide variant.
Coding change: c.625G>C on transcript NM_017875.4 (MANE Select); coding-DNA position 625, G replaced by C.
Protein change: p.Asp209His; replaces aspartic acid 209 with histidine.
Molecular consequence: missense variant.
Genome position (GRCh38, 1-based): chr3:39,392,021, G>C. VCF-style: chr3-39392021-G-C. GRCh37 (hg19) VCF-style: chr3-39433512-G-C.
Other names: c.625G>C, p.Asp209His (LRG_1133t1); c.625G>C, p.Gly209Arg (NM_001354798.2); short protein forms D209H, G209R.
Identifiers: ClinVar variation 631920 (VCV000631920.5), dbSNP rs146864395, ClinGen allele CA2327506.

ClinVar aggregate classification (germline): Pathogenic/Likely pathogenic. Review status: criteria provided, multiple submitters, no conflicts (2 of 4 stars). 2 submissions from 2 submitters: Pathogenic (1); Likely pathogenic (1). Last evaluated 2021-06-01.

Conditions:
Sideroblastic anemia 2. Also called: Anemia, sideroblastic, 2, pyridoxine-refractory. Identifiers: Orphanet 260305, MedGen C4225425, MONDO:0008785, OMIM 205950.

Allele frequency attached by ClinVar (database versions not stated): TOPMed 0.00006; ESP Exome Variant Server 0.00008.
gnomAD v4.1: 21 of 1,614,062 alleles (0.0013%); highest among the groups gnomAD compares: Non-Finnish European, 0.0015%; no homozygotes.

Submissions (2):

Mark Fleming Laboratory, Boston Children's Hospital
Classification: Pathogenic for Sideroblastic anemia 2. Last evaluated: 2021-06-01. Review status: criteria provided, single submitter. Criteria: ACMG Guidelines, 2015. Collection method: research. Allele origin: germline. Affected: yes.

Illumina Laboratory Services, Illumina
Classification: Likely pathogenic for Sideroblastic anemia 2. Last evaluated: 2018-08-13. Review status: criteria provided, single submitter. Criteria: ICSL Variant Classification Criteria 09 May 2019. Collection method: clinical testing. Allele origin: germline.
Comment: The SLC25A38 c.625G>C (p.Asp209His) missense variant has been reported in at least two studies in which it is found in a compound heterozygous state in a total of four unrelated individuals diagnosed with congenital sideroblastic anemia, where pyridoxine-refractory status was not specified (Guernsey et al. 2009; Kannengiesser et al. 2011). Three of the four second variants were null, with the fourth being a missense change. The variant was also been found in heterozygous state in the unaffected parents of at least one of the individuals. The p.Asp209His variant was absent from 286 control individuals and is reported at a frequency of 0.000045 in the European (non-Finnish) population of the Genome Aggregation Database. Based on the evidence, the p.Asp209His variant is classified as likely pathogenic for pyridoxine-refractory sideroblastic anemia.

Literature cited by the submitters: PubMed 19412178 (cited by Mark Fleming Laboratory, Boston Children's Hospital and Illumina Laboratory Services, Illumina); PubMed 21393332 (cited by Mark Fleming Laboratory, Boston Children's Hospital and Illumina Laboratory Services, Illumina); PubMed 32605921 (cited by Mark Fleming Laboratory, Boston Children's Hospital).